The following is an entry in ClinVar:

ClinVar aggregate classification (germline): Uncertain significance (1 of 4 stars; one submission).

Conditions:
STING-associated vasculopathy with onset in infancy. Also called: Sting-associated vasculopathy, infantile-onset. Identifiers: Orphanet 425120, MedGen C4014722, MONDO:0014405, OMIM 615934.

Submission:

Labcorp Genetics (formerly Invitae), Labcorp
Classification: Uncertain significance for STING-associated vasculopathy with onset in infancy. Last evaluated: 2022-04-12. Review status: criteria provided, single submitter. Criteria: Invitae Variant Classification Sherloc (09022015). Collection method: clinical testing. Allele origin: germline.
Comment: In summary, the available evidence is currently insufficient to determine the role of this variant in disease. Therefore, it has been classified as a Variant of Uncertain Significance. Algorithms developed to predict the effect of missense changes on protein structure and function (SIFT, PolyPhen-2, Align-GVGD) all suggest that this variant is likely to be disruptive. This variant has not been reported in the literature in individuals affected with TMEM173-related conditions. This variant is not present in population databases (gnomAD no frequency). This sequence change replaces leucine, which is neutral and non-polar, with proline, which is neutral and non-polar, at codon 175 of the TMEM173 protein (p.Leu175Pro).

NM_198282.4(STING1):c.524T>C (p.Leu175Pro)

Gene: STING1 (stimulator of interferon response cGAMP interactor 1; minus strand). Cytogenetic location: 5q31.2.
Variant type: single nucleotide variant.
Coding change: c.524T>C on transcript NM_198282.4 (MANE Select); coding-DNA position 524, T replaced by C.
Protein change: p.Leu175Pro; replaces leucine 175 with proline.
Molecular consequence: missense variant.
Genome position (GRCh38, 1-based): chr5:139,478,505, A>G on the plus strand (T>C on the coding strand, the complement: STING1 is on the minus strand). VCF-style: chr5-139478505-A-G. GRCh37 (hg19) VCF-style: chr5-138858090-A-G.
Other names: c.524T>C, p.Leu175Pro (NM_001301738.2); c.167T>C, p.Leu56Pro (NM_001367258.1); short protein forms L175P, L56P.
Identifiers: ClinVar variation 2125650 (VCV002125650.4), dbSNP rs891942279, ClinGen allele CA128748004.